The following is an entry in ClinVar:

NM_006949.4(STXBP2):c.238A>T (p.Thr80Ser)

Gene: STXBP2 (syntaxin binding protein 2; plus strand). Cytogenetic location: 19p13.2.
Variant type: single nucleotide variant.
Coding change: c.238A>T on transcript NM_006949.4 (MANE Select); coding-DNA position 238, A replaced by T.
Protein change: p.Thr80Ser; replaces threonine 80 with serine.
Molecular consequence: missense variant. On other transcripts: non-coding transcript variant (1).
Genome position (GRCh38, 1-based): chr19:7,639,799, A>T. VCF-style: chr19-7639799-A-T. GRCh37 (hg19) VCF-style: chr19-7704685-A-T.
Other names: c.238A>T, p.Thr80Ser (NM_001127396.3, NM_001272034.2); c.142A>T, p.Thr48Ser (NM_001414484.1); short protein forms T80S, T48S.
Identifiers: ClinVar variation 2851739 (VCV002851739.3), dbSNP rs2512684998, ClinGen allele CA403155625.

ClinVar aggregate classification (germline): Uncertain significance (1 of 4 stars; one submission).

Conditions:
Familial hemophagocytic lymphohistiocytosis 5. Also called: STXBP2-Related Familial Hemophagocytic Lymphohistiocytosis (STXBP2-fHLH). Identifiers: Orphanet 540, MedGen C2751293, MONDO:0013135, OMIM 613101.

Submission:

Labcorp Genetics (formerly Invitae), Labcorp
Classification: Uncertain significance for Familial hemophagocytic lymphohistiocytosis 5. Last evaluated: 2023-04-03. Review status: criteria provided, single submitter. Criteria: Invitae Variant Classification Sherloc (09022015). Collection method: clinical testing. Allele origin: germline.
Comment: In summary, the available evidence is currently insufficient to determine the role of this variant in disease. Therefore, it has been classified as a Variant of Uncertain Significance. An algorithm developed to predict the effect of missense changes on protein structure and function (PolyPhen-2) suggests that this variant is likely to be tolerated. This variant has not been reported in the literature in individuals affected with STXBP2-related conditions. This variant is not present in population databases (gnomAD no frequency). This sequence change replaces threonine, which is neutral and polar, with serine, which is neutral and polar, at codon 80 of the STXBP2 protein (p.Thr80Ser).